The following is an entry in ClinVar:

NM_007118.4(TRIO):c.2311A>T (p.Met771Leu)

Gene: TRIO (trio Rho guanine nucleotide exchange factor; plus strand). Cytogenetic location: 5p15.2.
Variant type: single nucleotide variant.
Coding change: c.2311A>T on transcript NM_007118.4 (MANE Select); coding-DNA position 2311, A replaced by T.
Protein change: p.Met771Leu; replaces methionine 771 with leucine.
Molecular consequence: missense variant. On other transcripts: non-coding transcript variant (1).
Genome position (GRCh38, 1-based): chr5:14,359,451, A>T. VCF-style: chr5-14359451-A-T. GRCh37 (hg19) VCF-style: chr5-14359560-A-T.
Other names: short protein forms M771L.
Identifiers: ClinVar variation 4074408 (VCV004074408.1).

ClinVar aggregate classification (germline): Uncertain significance (1 of 4 stars; one submission).

Submission:

GeneDx
Classification: Uncertain significance. Last evaluated: 2025-02-05. Review status: criteria provided, single submitter. Criteria: GeneDx Variant Classification Process June 2021. Collection method: clinical testing. Allele origin: germline. Affected: yes.
Comment: Not observed at significant frequency in large population cohorts (gnomAD); In silico analysis indicates that this missense variant does not alter protein structure/function; Has not been previously published as pathogenic or benign to our knowledge